The following is an entry in ClinVar:

NM_001370338.1(SLC7A2):c.-22-4412G>C

Gene: SLC7A2 (solute carrier family 7 member 2; plus strand). Cytogenetic location: 8p22.
Variant type: single nucleotide variant.
Coding change: c.-22-4412G>C on transcript NM_001370338.1 (MANE Select); 4412 bases into the intron before 22 bases upstream of the start codon, G replaced by C.
Molecular consequence: intron variant. On other transcripts: missense variant (2).
Genome position (GRCh38, 1-based): chr8:17,538,906, G>C. VCF-style: chr8-17538906-G-C. GRCh37 (hg19) VCF-style: chr8-17396415-G-C.
Other names: c.-22-4412G>C (NM_001008539.4, NM_001370337.1); c.82G>C, p.Asp28His (NM_001164771.2, NM_003046.6); short protein forms D28H.
Identifiers: ClinVar variation 3059575 (VCV003059575.2), dbSNP rs13259978, ClinGen allele CA4644507.

ClinVar aggregate classification (germline): Benign (0 of 4 stars; one submission).

Conditions:
SLC7A2-related disorder. Also called: SLC7A2-related condition.

Allele frequency attached by ClinVar (database versions not stated): 1000 Genomes Project 0.19309; 1000 Genomes Project 30x 0.19863; TOPMed 0.22753; ESP Exome Variant Server 0.23124.
gnomAD v4.1: 338,978 of 1,606,984 alleles (21%); highest among the groups gnomAD compares: African/African-American, 29%; 37,478 homozygotes.

Submission:

PreventionGenetics, part of Exact Sciences
Classification: Benign for SLC7A2-related condition. Last evaluated: 2019-11-01. Review status: no assertion criteria provided. Collection method: clinical testing. Allele origin: germline.
Comment: This variant is classified as benign based on ACMG/AMP sequence variant interpretation guidelines (Richards et al. 2015 PMID: 25741868, with internal and published modifications).